The following is an entry in ClinVar:

ClinVar aggregate classification (germline): Uncertain significance (1 of 4 stars; one submission).

Conditions:
ALMS1-related disorder. Also called: ALMS1-related condition.

Submission:

PreventionGenetics, part of Exact Sciences
Classification: Uncertain significance for ALMS1-related condition. Last evaluated: 2022-08-26. Review status: criteria provided, single submitter. Criteria: ACMG Guidelines, 2015. Collection method: clinical testing. Allele origin: germline.
Comment: The ALMS1 c.5089G>C variant is predicted to result in the amino acid substitution p.Asp1697His. To our knowledge, this variant has not been reported in the literature or in a large population database, indicating this variant is rare. At this time, the clinical significance of this variant is uncertain due to the absence of conclusive functional and genetic evidence.

NM_001378454.1(ALMS1):c.5086G>C (p.Gly1696Arg)

Gene: ALMS1 (ALMS1 centrosome and basal body associated protein; plus strand). Cytogenetic location: 2p13.1.
Variant type: single nucleotide variant.
Coding change: c.5086G>C on transcript NM_001378454.1 (MANE Select); coding-DNA position 5086, G replaced by C.
Protein change: p.Gly1696Arg; replaces glycine 1696 with arginine.
Molecular consequence: missense variant.
Genome position (GRCh38, 1-based): chr2:73,451,613, G>C. VCF-style: chr2-73451613-G-C. GRCh37 (hg19) VCF-style: chr2-73678740-G-C.
Other names: c.5089G>C, p.Gly1697Arg (NM_015120.4); short protein forms G1696R, G1697R.
Identifiers: ClinVar variation 2634912 (VCV002634912.1), dbSNP rs2466103839, ClinGen allele CA347279909.